The following is an entry in ClinVar:

Conditions:
Long QT syndrome 5 (LQT5). Identifiers: Orphanet 101016, Orphanet 768, MedGen C1867904, MONDO:0013372, OMIM 613695.

Submission:

Roden Lab, Vanderbilt University Medical Center
No classification provided (evidence only). Condition: Long QT syndrome 5. Review status: no classification provided. Collection method: in vitro. Allele origin: not applicable. Functional consequence: Effect on ion channel function.
ClinVar note: "not provided" was previously submitted as the classification for the variant. However, the classification appeared to be based only on an observation of functional data so it was converted to no classification on 2025-07-30.

NM_000219.6(KCNE1):c.5T>G (p.Ile2Ser)

Gene: KCNE1 (potassium voltage-gated channel subfamily E regulatory subunit 1; minus strand). Cytogenetic location: 21q22.12.
Variant type: single nucleotide variant.
Coding change: c.5T>G on transcript NM_000219.6 (MANE Select); coding-DNA position 5, T replaced by G.
Protein change: p.Ile2Ser; replaces isoleucine 2 with serine.
Molecular consequence: missense variant.
Genome position (GRCh38, 1-based): chr21:34,449,630, A>C on the plus strand (T>G on the coding strand, the complement: KCNE1 is on the minus strand). VCF-style: chr21-34449630-A-C. GRCh37 (hg19) VCF-style: chr21-35821928-A-C.
Other names: c.5T>G, p.Ile2Ser (NM_001127668.4, NM_001127669.4, NM_001127670.4 and 4 more transcripts); short protein forms I2S.
Identifiers: ClinVar variation 3373911 (VCV003373911.2).
Genomic context (GRCh38, chr21:34,449,630, plus strand): 5'-TGAACTGTCTCCTGCCACAGCTTGGTCAGAAAGGGCGTCACCGCTGTGGTGTTAGACAGG[A>C]TCATCCTGGGCATTAAGGTTCCACTGCTGCAGCTCAAACTTCCCAGGCACACCTCTTAAA-3'
Protein context (NP_000210.2, residues 1-12): M[Ile2Ser]LSNTTAVTPF